The following is an entry in ClinVar:

ClinVar aggregate classification (germline): Uncertain significance. Review status: criteria provided, multiple submitters, no conflicts (2 of 4 stars). 2 submissions from 2 submitters: Uncertain significance (2). Last evaluated 2023-07-22.

Conditions:
Cone-rod dystrophy 2 (CORD2). Also called: CONE-ROD RETINAL DYSTROPHY; Cone-rod retinal dystrophy 2. Identifiers: Orphanet 1872, MedGen C3489532, MONDO:0007362, OMIM 120970.
Leber congenital amaurosis 7 (LCA7). Identifiers: Orphanet 65, MedGen C3151192, MONDO:0013449, OMIM 613829.

Allele frequency attached by ClinVar (database versions not stated): TOPMed below 0.00001; gnomAD exomes 0.00001; ExAC 0.00002; gnomAD 0.00002.
gnomAD v4.1: 13 of 1,614,152 alleles (0.00081%); highest among the groups gnomAD compares: African/African-American, 0.0013%; no homozygotes.

Submissions (2):

Labcorp Genetics (formerly Invitae), Labcorp
Classification: Uncertain significance for Cone-rod dystrophy 2; Leber congenital amaurosis 7. Last evaluated: 2023-07-22. Review status: criteria provided, single submitter. Criteria: Invitae Variant Classification Sherloc (09022015). Collection method: clinical testing. Allele origin: germline.
Comment: This variant is present in population databases (rs765302774, gnomAD 0.003%). In summary, the available evidence is currently insufficient to determine the role of this variant in disease. Therefore, it has been classified as a Variant of Uncertain Significance. Advanced modeling of protein sequence and biophysical properties (such as structural, functional, and spatial information, amino acid conservation, physicochemical variation, residue mobility, and thermodynamic stability) performed at Invitae indicates that this missense variant is not expected to disrupt CRX protein function. This variant has not been reported in the literature in individuals affected with CRX-related conditions. This sequence change replaces arginine, which is basic and polar, with glutamine, which is neutral and polar, at codon 48 of the CRX protein (p.Arg48Gln).

Blueprint Genetics
Classification: Uncertain significance. Last evaluated: 2022-09-27. Review status: criteria provided, single submitter. Criteria: ACMG Guidelines, 2015. Collection method: clinical testing. Allele origin: germline.

NM_000554.6(CRX):c.143G>A (p.Arg48Gln)

Gene: CRX (cone-rod homeobox; plus strand). Cytogenetic location: 19q13.33.
Variant type: single nucleotide variant.
Coding change: c.143G>A on transcript NM_000554.6 (MANE Select); coding-DNA position 143, G replaced by A.
Protein change: p.Arg48Gln; replaces arginine 48 with glutamine.
Molecular consequence: missense variant.
Genome position (GRCh38, 1-based): chr19:47,836,285, G>A. VCF-style: chr19-47836285-G-A. GRCh37 (hg19) VCF-style: chr19-48339542-G-A.
Other names: short protein forms R48Q.
Identifiers: ClinVar variation 2926332 (VCV002926332.4), dbSNP rs765302774, ClinGen allele CA9544410.